The following is an entry in ClinVar:

NM_005202.4(COL8A2):c.1223C>T (p.Pro408Leu)

Gene: COL8A2 (collagen type VIII alpha 2 chain; minus strand). Cytogenetic location: 1p34.3.
Variant type: single nucleotide variant.
Coding change: c.1223C>T on transcript NM_005202.4 (MANE Select); coding-DNA position 1223, C replaced by T.
Protein change: p.Pro408Leu; replaces proline 408 with leucine.
Molecular consequence: missense variant.
Genome position (GRCh38, 1-based): chr1:36,098,458, G>A on the plus strand (C>T on the coding strand, the complement: COL8A2 is on the minus strand). VCF-style: chr1-36098458-G-A. GRCh37 (hg19) VCF-style: chr1-36564059-G-A.
Other names: c.1028C>T, p.Pro343Leu (NM_001294347.2); short protein forms P408L, P343L.
Identifiers: ClinVar variation 2570407 (VCV002570407.3), dbSNP rs780153991, ClinGen allele CA764978.

ClinVar aggregate classification (germline): Uncertain significance. Review status: criteria provided, multiple submitters, no conflicts (2 of 4 stars). 2 submissions from 2 submitters: Uncertain significance (2). Last evaluated 2025-04-18.

Conditions:
Inborn genetic diseases. Identifiers: MedGen C0950123, MeSH D030342.

Allele frequency attached by ClinVar (database versions not stated): ExAC 0.00004; TOPMed 0.00004; gnomAD 0.00005.

Submissions (2):

Labcorp Genetics (formerly Invitae), Labcorp
Classification: Uncertain significance. Last evaluated: 2025-04-18. Review status: criteria provided, single submitter. Criteria: Invitae Variant Classification Sherloc (09022015). Collection method: clinical testing. Allele origin: germline.
Comment: This sequence change replaces proline, which is neutral and non-polar, with leucine, which is neutral and non-polar, at codon 408 of the COL8A2 protein (p.Pro408Leu). This variant is present in population databases (rs780153991, gnomAD 0.009%). This variant has not been reported in the literature in individuals affected with COL8A2-related conditions. ClinVar contains an entry for this variant (Variation ID: 2570407). Experimental studies and prediction algorithms are not available or were not evaluated, and the functional significance of this variant is currently unknown. In summary, the available evidence is currently insufficient to determine the role of this variant in disease. Therefore, it has been classified as a Variant of Uncertain Significance.

Ambry Genetics
Classification: Uncertain significance for Inborn genetic diseases. Last evaluated: 2023-04-07. Review status: criteria provided, single submitter. Criteria: Ambry Variant Classification Scheme 2023. Collection method: clinical testing. Allele origin: germline.